The following is an entry in ClinVar:

NM_206926.2(SELENON):c.1230_1232del (p.Asn410del)

Gene: SELENON (selenoprotein N; plus strand). Cytogenetic location: 1p36.11.
Variant type: Deletion.
Coding change: c.1230_1232del on transcript NM_206926.2 (MANE Select); coding-DNA positions 1230 to 1232, 3 bases deleted (CAA; older notation c.1230_1232delCAA).
Protein change: p.Asn410del; deletes asparagine 410.
Molecular consequence: inframe deletion.
Genome position (GRCh38, 1-based): chr1:25,812,737-25,812,739, CAA deleted; deleting any 3 consecutive bases within chr1:25,812,735-25,812,739 gives the same sequence; the c. name uses the placement nearest the transcript's 3' end. VCF-style (leftmost placement, unchanged base first): chr1-25812734-GAAC-G. GRCh37 (hg19) VCF-style: chr1-26139225-GAAC-G.
Other names: c.1332_1334del, p.Asn444del (NM_020451.3); c.1332_1334delCAA (NM_020451.2); short protein forms N444del, N410del.
Identifiers: ClinVar variation 432862 (VCV000432862.12), dbSNP rs1553120691, ClinGen allele CA645372408.

ClinVar aggregate classification (germline): Pathogenic/Likely pathogenic. Review status: criteria provided, multiple submitters, no conflicts (2 of 4 stars). 2 submissions from 2 submitters: Pathogenic (1); Likely pathogenic (1). Last evaluated 2024-01-08.

Conditions:
Eichsfeld type congenital muscular dystrophy (CMYO3). Also called: MYOPATHY, SEPN1-RELATED; SELENON-related myopathy; Congenital myopathy 3 with rigid spine; Rigid spine muscular dystrophy 1. Identifiers: MedGen C0410180, MONDO:0100100, OMIM 602771.

Submissions (2):

Labcorp Genetics (formerly Invitae), Labcorp
Classification: Pathogenic for Eichsfeld type congenital muscular dystrophy. Last evaluated: 2024-01-08. Review status: criteria provided, single submitter. Criteria: Invitae Variant Classification Sherloc (09022015). Collection method: clinical testing. Allele origin: germline.
Comment: This variant, c.1332_1334del, results in the deletion of 1 amino acid(s) of the SELENON protein (p.Asn444del), but otherwise preserves the integrity of the reading frame. This variant is not present in population databases (gnomAD no frequency). This variant has been observed in individual(s) with clinical features of SELENON-related conditions (PMID: 21520333, 30932294; Invitae). In at least one individual the data is consistent with being in trans (on the opposite chromosome) from a pathogenic variant. ClinVar contains an entry for this variant (Variation ID: 432862). Experimental studies and prediction algorithms are not available or were not evaluated, and the functional significance of this variant is currently unknown. For these reasons, this variant has been classified as Pathogenic.

GeneDx
Classification: Likely pathogenic. Last evaluated: 2019-03-07. Review status: criteria provided, single submitter. Criteria: GeneDx Variant Classification Process June 2021. Collection method: clinical testing. Allele origin: germline. Affected: yes.
Comment: Not observed in large population cohorts (Lek et al., 2016); In-frame deletion of 1 amino acids in a non-repeat region; In silico analysis, which includes protein predictors and evolutionary conservation, supports a deleterious effect; Has not been previously published as pathogenic or benign to our knowledge; This variant is associated with the following publications: (PMID: 30932294, 31321302, 31127727)

Literature cited by the submitters: PubMed 21520333 (cited by Labcorp Genetics (formerly Invitae), Labcorp); PubMed 30932294 (cited by Labcorp Genetics (formerly Invitae), Labcorp).